The following is an entry in ClinVar:

ClinVar aggregate classification (germline): Likely benign. Review status: criteria provided, single submitter (1 of 4 stars). 2 submissions from 2 submitters: Likely benign (1). 1 of the submissions does not count toward it. Last evaluated 2024-02-23.

Conditions:
ZFYVE26-related disorder. Also called: ZFYVE26-related condition.
Spastic paraplegia. Identifiers: MedGen C0037772, HP:0001258.

Allele frequency attached by ClinVar (database versions not stated): ExAC 0.00001; gnomAD exomes 0.00001 and 0.00002; gnomAD 0.00004 and 0.00005; TOPMed 0.00006; ESP Exome Variant Server 0.00015; 1000 Genomes Project 30x 0.00016; 1000 Genomes Project 0.00020.
gnomAD v4.1: 37 of 1,614,130 alleles (0.0023%); highest among the groups gnomAD compares: Middle Eastern, 0.016%; no homozygotes.

Submissions (2):

Labcorp Genetics (formerly Invitae), Labcorp
Classification: Likely benign for Spastic paraplegia. Last evaluated: 2024-02-23. Review status: criteria provided, single submitter. Criteria: Invitae Variant Classification Sherloc (09022015). Collection method: clinical testing. Allele origin: germline.

PreventionGenetics, part of Exact Sciences
Classification: Likely benign for ZFYVE26-related condition. Last evaluated: 2019-02-21. Review status: no assertion criteria provided. Collection method: clinical testing. Allele origin: germline. Not counted in ClinVar's aggregate classification.
Comment: This variant is classified as likely benign based on ACMG/AMP sequence variant interpretation guidelines (Richards et al. 2015 PMID: 25741868, with internal and published modifications).

NM_015346.4(ZFYVE26):c.6195G>A (p.Ala2065=)

Gene: ZFYVE26 (zinc finger FYVE-type containing 26; minus strand). Cytogenetic location: 14q24.1.
Variant type: single nucleotide variant.
Coding change: c.6195G>A on transcript NM_015346.4 (MANE Select); coding-DNA position 6195, G replaced by A.
Protein change: p.Ala2065=; no amino-acid change (alanine 2065 retained).
Molecular consequence: synonymous variant.
Genome position (GRCh38, 1-based): chr14:67,762,377, C>T on the plus strand (G>A on the coding strand, the complement: ZFYVE26 is on the minus strand). VCF-style: chr14-67762377-C-T. GRCh37 (hg19) VCF-style: chr14-68229094-C-T.
Identifiers: ClinVar variation 702267 (VCV000702267.13), dbSNP rs148139928, ClinGen allele CA7239283.